The following is an entry in ClinVar:

NM_000100.4(CSTB):c.85G>A (p.Glu29Lys)

Gene: CSTB (cystatin B; minus strand). Cytogenetic location: 21q22.3.
Variant type: single nucleotide variant.
Coding change: c.85G>A on transcript NM_000100.4 (MANE Select); coding-DNA position 85, G replaced by A.
Protein change: p.Glu29Lys; replaces glutamic acid 29 with lysine.
Molecular consequence: missense variant.
Genome position (GRCh38, 1-based): chr21:43,774,741, C>T on the plus strand (G>A on the coding strand, the complement: CSTB is on the minus strand). VCF-style: chr21-43774741-C-T. GRCh37 (hg19) VCF-style: chr21-45194622-C-T.
Other names: short protein forms E29K.
Identifiers: ClinVar variation 958189 (VCV000958189.8), dbSNP rs1358304104, ClinGen allele CA410408475.

ClinVar aggregate classification (germline): Uncertain significance. Review status: criteria provided, multiple submitters, no conflicts (2 of 4 stars). 2 submissions from 2 submitters: Uncertain significance (2). Last evaluated 2021-08-31.

Conditions:
Progressive myoclonic epilepsy. Also called: Myoclonic Epilepsies, Progressive; Familial progressive myoclonic epilepsy; Myoclonus epilepsy; Progressive myoclonus epilepsy. Identifiers: Orphanet 308, Orphanet 98261, MedGen C0751778, MONDO:0020074.
Inborn genetic diseases. Identifiers: MedGen C0950123, MeSH D030342.

Allele frequency attached by ClinVar (database versions not stated): gnomAD exomes below 0.00001; TOPMed below 0.00001; gnomAD 0.00001.
gnomAD v4.1: 3 of 1,614,020 alleles (0.00019%); highest among the groups gnomAD compares: Admixed American, 0.0033%; no homozygotes.

Submissions (2):

Labcorp Genetics (formerly Invitae), Labcorp
Classification: Uncertain significance for Progressive myoclonic epilepsy. Last evaluated: 2021-08-31. Review status: criteria provided, single submitter. Criteria: Invitae Variant Classification Sherloc (09022015). Collection method: clinical testing. Allele origin: germline.
Comment: This sequence change replaces glutamic acid with lysine at codon 29 of the CSTB protein (p.Glu29Lys). The glutamic acid residue is moderately conserved and there is a small physicochemical difference between glutamic acid and lysine. This variant is not present in population databases (ExAC no frequency). This variant has not been reported in the literature in individuals affected with CSTB-related conditions. Algorithms developed to predict the effect of missense changes on protein structure and function are either unavailable or do not agree on the potential impact of this missense change (SIFT: "Tolerated"; PolyPhen-2: "Possibly Damaging"; Align-GVGD: "Class C0"). In summary, the available evidence is currently insufficient to determine the role of this variant in disease. Therefore, it has been classified as a Variant of Uncertain Significance.

Ambry Genetics
Classification: Uncertain significance for Inborn genetic diseases. Last evaluated: 2018-02-28. Review status: criteria provided, single submitter. Criteria: Ambry Variant Classification Scheme 2023. Collection method: clinical testing. Allele origin: germline.
Comment: The p.E29K variant (also known as c.85G>A), located in coding exon 2 of the CSTB gene, results from a G to A substitution at nucleotide position 85. The glutamic acid at codon 29 is replaced by lysine, an amino acid with similar properties. This amino acid position is not conserved on limited sequence alignment. In addition, this alteration is predicted to be tolerated by in silico analysis. Since supporting evidence is limited at this time, the clinical significance of this alteration remains unclear.